The following is an entry in ClinVar:

ClinVar aggregate classification (germline): Pathogenic. Review status: criteria provided, multiple submitters, no conflicts (2 of 4 stars). 2 submissions from 2 submitters: Pathogenic (2). Last evaluated 2022-09-02.

Conditions:
Duchenne muscular dystrophy (DMD). Also called: MUSCULAR DYSTROPHY, PSEUDOHYPERTROPHIC PROGRESSIVE, DUCHENNE TYPE; Duchenne Muscular Dystrophy (DMD). Identifiers: Orphanet 98896, MedGen C0013264, MONDO:0010679, OMIM 310200.

Submissions (2):

Victorian Clinical Genetics Services, Murdoch Childrens Research Institute
Classification: Pathogenic for Duchenne muscular dystrophy. Last evaluated: 2022-09-02. Review status: criteria provided, single submitter. Criteria: ACMG Guidelines, 2015. Collection method: clinical testing. Allele origin: germline. Inheritance: X-linked recessive inheritance.
Comment: Based on the classification scheme VCGS_Germline_v1.3.4, this variant is classified as Pathogenic. Following criteria are met: 0102 - Loss of function is a known mechanism of disease in this gene and is associated with Becker muscular dystrophy (MIM#300376), Duchenne muscular dystrophy (MIM#310200) and dilated cardiomyopathy 3B (MIM#302045). (I) 0109 - This gene is associated with X-linked recessive disease. This gene is primarily associated with X-linked recessive disease relating to the muscular dystrophy phenotypes, however it is also associated with X-linked dominant DCM (OMIM, PMID: 26066469). (I) 0201 - Variant is predicted to cause nonsense-mediated decay (NMD) and loss of protein (premature termination codon is located at least 54 nucleotides upstream of the final exon-exon junction). (SP) 0251 - This variant is heterozygous. (I) 0301 - Variant is absent from gnomAD (both v2 and v3). (SP) 0701 - Other premature termination variants comparable to the one identified in this case have very strong previous evidence for pathogenicity. Many NMD-predicted variants in this gene have been reported as likely pathogenic/pathogenic (ClinVar). (SP) 0807 - This variant has no previous evidence of pathogenicity. (I) 0905 - No published segregation evidence has been identified for this variant. (I) 1007 - No published functional evidence has been identified for this variant. (I) 1204 - This variant has been shown to be de novo in the proband (parental status not tested but assumed) (external clinical testing laboratory). (SP) Legend: (SP) - Supporting pathogenic, (I) - Information, (SB) - Supporting benign

Labcorp Genetics (formerly Invitae), Labcorp
Classification: Pathogenic for Duchenne muscular dystrophy. Last evaluated: 2022-03-18. Review status: criteria provided, single submitter. Criteria: Invitae Variant Classification Sherloc (09022015). Collection method: clinical testing. Allele origin: germline.
Comment: For these reasons, this variant has been classified as Pathogenic. This variant has not been reported in the literature in individuals affected with DMD-related conditions. This variant is not present in population databases (gnomAD no frequency). This sequence change creates a premature translational stop signal (p.Leu570Phefs*13) in the DMD gene. It is expected to result in an absent or disrupted protein product. Loss-of-function variants in DMD are known to be pathogenic (PMID: 16770791, 25007885).

Literature cited by the submitters: PubMed 26066469 (cited by Victorian Clinical Genetics Services, Murdoch Childrens Research Institute); PubMed 16770791 (cited by Labcorp Genetics (formerly Invitae), Labcorp); PubMed 25007885 (cited by Labcorp Genetics (formerly Invitae), Labcorp).

NM_004006.3(DMD):c.1708del (p.Leu570fs)

Gene: DMD (dystrophin; minus strand). Cytogenetic location: Xp21.1.
Variant type: Deletion.
Coding change: c.1708del on transcript NM_004006.3 (MANE Select); coding-DNA position 1708, one base deleted (C; older notation c.1708delC).
Protein change: p.Leu570fs; shifts the reading frame from leucine 570.
Molecular consequence: frameshift variant.
Genome position (GRCh38, 1-based): chrX:32,573,634, G deleted on the plus strand (C on the coding strand, the reverse complement: DMD is on the minus strand); the first of 2 consecutive G bases (chrX:32,573,634-32,573,635); deleting either gives the same sequence. VCF-style (leftmost placement, unchanged base first): chrX-32573633-AG-A. GRCh37 (hg19) VCF-style: chrX-32591750-AG-A.
Other names: c.1684del, p.Leu562fs (NM_000109.4); c.1696del, p.Leu566fs (NM_004009.3); c.1339del, p.Leu447fs (NM_004010.3); short protein forms L562fs, L570fs, L566fs, L447fs.
Identifiers: ClinVar variation 1401311 (VCV001401311.7), dbSNP rs2149137188, ClinGen allele CA2573158833.